The following continues an entry in ClinVar:

NM_003000.3(SDHB):c.72+1G>T

ClinVar aggregate classification (germline): Pathogenic/Likely pathogenic. Pathogenic (16); Likely pathogenic (1).

Submissions 9 to 19 of 19:

Myriad Genetics, Inc.
Classification: Pathogenic for Pheochromocytoma/paraganglioma syndrome 4. Last evaluated: 2023-01-30. Review status: criteria provided, single submitter. Criteria: Myriad Autosomal Dominant, Autosomal Recessive and X-Linked Classification Criteria (2023). Collection method: clinical testing. Allele origin: unknown.
Comment: This variant is considered pathogenic. This variant occurs within a consensus splice junction and is predicted to result in abnormal mRNA splicing of either an out-of-frame exon or an in-frame exon necessary for protein stability and/or normal function. This variant has been reported in multiple individuals with clinical features of gene-specific disease [PMID: 23512077, 33362715, 30201732, 28374168].

GeneDx
Classification: Pathogenic. Last evaluated: 2022-08-15. Review status: criteria provided, single submitter. Criteria: GeneDx Variant Classification Process June 2021. Collection method: clinical testing. Allele origin: germline. Affected: yes.
Comment: Canonical splice site variant predicted to result in protein truncation or nonsense mediated decay in a gene for which loss-of-function is a known mechanism of disease; Not observed at a significant frequency in large population cohorts (gnomAD); This variant is associated with the following publications: (PMID: 26916530, 19215943, 21934479, 16912137, 16472267, 19864450, 29204718, 23666964, 25741136, 20418362, 20459544, 18419787, 17200167, 24623741, 16317055, 17667967, 19522823, 28973655, 28374168, 27910947, 26556299, 29909963, 30694796, 29623478, 28748451, 30050099, 31492822, 32581362, 29386252, 33087929, 32741965, 30787465)

Women's Health and Genetics/Laboratory Corporation of America, LabCorp
Classification: Pathogenic for Hereditary pheochromocytoma and paraganglioma. Last evaluated: 2021-08-27. Review status: criteria provided, single submitter. Criteria: LabCorp Variant Classification Summary - May 2015. Collection method: clinical testing. Allele origin: germline.
Comment: Variant summary: SDHB c.72+1G>T is located in a canonical splice-site and is predicted to affect mRNA splicing resulting in a significantly altered protein due to either exon skipping, shortening, or inclusion of intronic material. Several computational tools predict a significant impact on normal splicing: Four predict the variant abolishes a 5` splicing donor site. At least one publication reports experimental evidence that this variant affects mRNA splicing and indicated that the first part of intron 1 was transcribed with the frameshift resulting in a stop codon in the middle of exon 2, predicting a truncated protein (Pasini_2007). The variant allele was found at a frequency of 1.2e-05 in 242838 control chromosomes (gnomAD). c.72+1G>T has been reported in the literature in multiple individuals affected with Hereditary Paraganglioma-Pheochromocytoma Syndrome (Pasini_2007, Benn_2018, Richter_2019, Dwight_2021). These data indicate that the variant is very likely to be associated with disease. Six ClinVar submitters (evaluation after 2014) cite the variant as pathogenic (n=5) and likely pathogenic (n=1). Based on the evidence outlined above, the variant was classified as pathogenic.

Blueprint Genetics
Classification: Pathogenic for SDHB-related disorders. Last evaluated: 2021-08-16. Review status: criteria provided, single submitter. Criteria: ACMG Guidelines, 2015. Collection method: clinical testing. Allele origin: germline. Affected: yes. Observed: 2 variant alleles.

St. Jude Molecular Pathology, St. Jude Children's Research Hospital
Classification: Pathogenic for Hereditary pheochromocytoma and paraganglioma. Last evaluated: 2021-06-10. Review status: criteria provided, single submitter. Criteria: St. Jude Assertion Criteria 2020. Collection method: clinical testing. Allele origin: germline.
Comment: The SDHB c.72+1G>T intronic change results in a G to T substitution at the +1 position of intron 1 of the SDHB gene. This variant is predicted to result in loss of the native splice donor site and abnormal gene splicing, resulting in nonsense-mediated decay or an abnormal protein product (PVS1). This variant has a maximum subpopulation frequency of 0.0028% in gnomAD v2.1.1 (PM2_Supporting). This variant has been reported in individuals with pheochromocytoma (PMID: 16317055, 18419787, 23666964, 31492822), paraganglioma (PMID: 16472267, 16912137, 20418362, 29909963, 30050099), gastrointestinal stromal tumor (PMID: 17804857), and renal cell carcinoma (PMID: 20459544, 26556299). This variant is also known as IVS1+1G>T in the literature. In summary, this variant meets criteria to be classified as pathogenic based on the ACMG/AMP criteria: PVS1, PS4, PM2_Supporting.

ARUP Laboratories, Molecular Genetics and Genomics, ARUP Laboratories
Classification: Pathogenic. Last evaluated: 2019-06-10. Review status: criteria provided, single submitter. Criteria: ARUP Molecular Germline Variant Investigation Process. Collection method: clinical testing. Allele origin: germline.
Comment: The SDHB c.72+1G>T variant (rs587782703) is reported in the literature in individuals affected with pheochromocytoma (Benn 2006, Timmers 2007, Tsang 2014), paraganglioma (Brouwers 2006), gastrointestinal tumor (Pasini 2008, McWhinney 2008), and renal cell carcinoma (Schrader 2016). This variant is reported as pathogenic by multiple laboratories in ClinVar (Variation ID: 142764), and is absent from general population databases (Exome Variant Server, Genome Aggregation Database), indicating it is not a common polymorphism. This variant disrupts the canonical splice donor site of intron 1, which is likely to negatively impact gene function, and functional analyses of patient mRNA shows aberrant splicing (Pasini 2008). Additionally, other variants at this nucleotide (c.72+1G>A, c.72+1G>C) have been reported in individuals with pheochromocytoma or paraganglioma and are considered pathogenic (Burnichon 2009, Ricketts 2010). Based on available information, the c.72+1G>T variant is considered to be pathogenic. References: Benn DE et al. Clinical presentation and penetrance of pheochromocytoma/paraganglioma syndromes. J Clin Endocrinol Metab. 2006 Mar;91(3):827-36. Brouwers FM et al. High frequency of SDHB germline mutations in patients with malignant catecholamine-producing paragangliomas: implications for genetic testing. J Clin Endocrinol Metab. 2006 Nov;91(11):4505-9. Burnichon N et al. The succinate dehydrogenase genetic testing in a large prospective series of patients with paragangliomas. J Clin Endocrinol Metab. 2009 Aug;94(8):2817-27. McWhinney SR et al. Familial gastrointestinal stromal tumors and germ-line mutations. N Engl J Med. 2007 Sep 6;357(10):1054-6. Pasini B et al. Clinical and molecular genetics of patients with the Carney-Stratakis syndrome and germline mutations of the genes coding for the succinate dehydrogenase subunits SDHB, SDHC, and SDHD. Eur J Hum Genet. 2008 Jan;16(1):79-88. Ricketts CJ et al. Tumor risks and genotype-phenotype-proteotype analysis in 358 patients with germline mutations in SDHB and SDHD. Hum Mutat. 2010 Jan;31(1):41-51. Schrader KA et al. Germline Variants in Targeted Tumor Sequencing Using Matched Normal DNA. JAMA Oncol. 2016 Jan;2(1):104-11. Timmers HJ et al. Clinical presentations, biochemical phenotypes, and genotype-phenotype correlations in patients with succinate dehydrogenase subunit B-associated pheochromocytomas and paragangliomas. J Clin Endocrinol Metab. 2007 Mar;92(3):779-86. Tsang VH et al. Overexpression of miR-210 is associated with SDH-related pheochromocytomas, paragangliomas, and gastrointestinal stromal tumours. Endocr Relat Cancer. 2014 May 6;21(3):415-26.

Academic Department of Medical Genetics, University of Cambridge
Classification: Likely pathogenic for Hereditary cancer-predisposing syndrome. Last evaluated: 2018-01-26. Review status: criteria provided, single submitter. Criteria: ACMG Guidelines, 2015. Collection method: research. Allele origin: germline. Affected: yes. Observed: 1 heterozygote.
Comment: Application of AMCG guidelines 2015. Used other ClinVar submission evidence where relevant. Loss of heterozygosity in tumours or immunohistochemistry abnormalities considered functional evidence of pathogenicity.

Identified as part of research study of individuals with multiple primary tumours referred for genetic assessment

Quest Diagnostics Nichols Institute San Juan Capistrano
Classification: Pathogenic. Last evaluated: 2014-08-22. Review status: criteria provided, single submitter. Criteria: Quest Diagnostics criteria. Collection method: clinical testing. Allele origin: unknown.
Comment: The SDHB c.72+1G>T variant (also known IVS1+1G>T) disrupts a canonical splice-donor site and interferes with normal SDHB mRNA splicing. The frequency of this variant in the general population, 0.000028 (3/108524 chromosomes), is consistent with pathogenicity. In the published literature, this variant has been shown to cause aberrant splicing in patient RNA (PMID: 17667967 (2008)), and reported in multiple individuals with PGL-PCC (PMIDs: 33362715 (2020), 31492822 (2020), 30201732 (2018), 16912137 (2006), 16317055 (2006)), gastrointestinal stromal tumor (PMIDs: 17667967 (2008), 17804857 (2007)), and renal cell carcinoma (PMIDs: 35441217 (2022), 26556299 (2016), 20459544 (2010)). Based on the available information, this variant is classified as pathogenic.

Eurofins Ntd Llc (ga)
Classification: Pathogenic. Last evaluated: 2013-12-10. Review status: criteria provided, single submitter. Criteria: EGL Classification Definitions 2015. Collection method: clinical testing. Allele origin: germline. Observed: 1 variant allele, 1 heterozygote.

OMIM
Classification: Pathogenic for PARAGANGLIOMA AND GASTRIC STROMAL SARCOMA. Last evaluated: 2008-01-01. Review status: no assertion criteria provided. Collection method: literature only. Allele origin: germline. Not counted in ClinVar's aggregate classification.

Section on Medical Neuroendocrinolgy, National Institutes of Health
Classification: Pathogenic for Hereditary pheochromocytoma and paraganglioma. Review status: no assertion criteria provided. Collection method: research. Allele origin: germline. Affected: yes. Not counted in ClinVar's aggregate classification.

Literature cited by the submitters: PubMed 16317055 (cited by 6 submitters); PubMed 16472267 (cited by 5 submitters); PubMed 16912137 (cited by 6 submitters); PubMed 17667967 (cited by 8 submitters); PubMed 18419787 (cited by 4 submitters); PubMed 20418362 (cited by 4 submitters); PubMed 20459544 (cited by 4 submitters); PubMed 23666964 (cited by 6 submitters); PubMed 17804857 (cited by 6 submitters); PubMed 26556299 (cited by 4 submitters); PubMed 28374168 (cited by 5 submitters); PubMed 23512077 (cited by 3 submitters); PubMed 29909963 (cited by 3 submitters); PubMed 30050099 (cited by 5 submitters); PubMed 30201732 (cited by 6 submitters); PubMed 31492822 (cited by 4 submitters); PubMed 33300499 (cited by 4 submitters); PubMed 33362715 (cited by 4 submitters); PubMed 35441217 (cited by Quest Diagnostics Nichols Institute San Juan Capistrano).